The following is an entry in ClinVar:

NM_201548.5(CERKL):c.1404del (p.Glu468_Val469insTer)

Gene: CERKL (CERK like autophagy regulator; minus strand). Cytogenetic location: 2q31.3.
Variant type: Deletion.
Coding change: c.1404del on transcript NM_201548.5 (MANE Select); coding-DNA position 1404, one base deleted (A; older notation c.1404delA).
Protein change: p.Glu468_Val469insTer.
Molecular consequence: frameshift variant. On other transcripts: non-coding transcript variant (2).
Genome position (GRCh38, 1-based): chr2:181,539,226, T deleted on the plus strand (A on the coding strand, the reverse complement: CERKL is on the minus strand); the first of 2 consecutive T bases (chr2:181,539,226-181,539,227); deleting either gives the same sequence. VCF-style (leftmost placement, unchanged base first): chr2-181539225-CT-C. GRCh37 (hg19) VCF-style: chr2-182403952-CT-C.
Other names: c.1482del, p.Glu494_Val495insTer (NM_001030311.3); c.1065del, p.Glu355_Val356insTer (NM_001030312.3); c.1197del, p.Glu399_Val400insTer (NM_001030313.3); c.1350del, p.Glu450_Val451insTer (NM_001160277.2); c.1482delA (NM_001030311.2).
Identifiers: ClinVar variation 866631 (VCV000866631.20), dbSNP rs1238123416, ClinGen allele CA538109519.

ClinVar aggregate classification (germline): Pathogenic. Review status: criteria provided, multiple submitters, no conflicts (2 of 4 stars). 7 submissions from 7 submitters: Pathogenic (7). Last evaluated 2025-04-14.

Conditions:
Retinitis pigmentosa 26 (RP26). Identifiers: Orphanet 791, MedGen C1842127, MONDO:0012024, OMIM 608380.
Retinal dystrophy. Also called: Inherited retinal dystrophy. Identifiers: Orphanet 71862, MedGen C0854723, MeSH D058499, MONDO:0019118, HP:0000556.
CERKL-related disorders.

Submissions (7):

Natera, Inc.
Classification: Pathogenic for Retinitis Pigmentosa 26. Last evaluated: 2025-04-14. Review status: criteria provided, single submitter. Criteria: Natera Variant Classification Schema (03/2026). Collection method: clinical testing. Allele origin: germline.
Comment: The c.1482delA variant in CERKL is a frameshift variant predicted to shift the reading frame and introduce a stop codon. This variant is expected to result in nonsense mediated decay, truncation, or a dysfunctional protein product. This variant is rare in the general population with a frequency below the threshold expected for the associated phenotype(s). This variant has been observed in one or more individuals affected with the associated recessive disease, as either homozygous or compound heterozygous with a second variant (PMID: 23661369). Given the available evidence, this variant is classified as Pathogenic.

Baylor Genetics
Classification: Pathogenic for Retinitis pigmentosa 26. Last evaluated: 2024-03-25. Review status: criteria provided, single submitter. Criteria: ACMG Guidelines, 2015. Collection method: clinical testing. Allele origin: unknown.

Fulgent Genetics
Classification: Pathogenic for Retinitis pigmentosa 26. Last evaluated: 2024-01-23. Review status: criteria provided, single submitter. Criteria: ACMG Guidelines, 2015. Collection method: clinical testing. Allele origin: germline.

Labcorp Genetics (formerly Invitae), Labcorp
Classification: Pathogenic. Last evaluated: 2023-10-25. Review status: criteria provided, single submitter. Criteria: Invitae Variant Classification Sherloc (09022015). Collection method: clinical testing. Allele origin: germline.
Comment: This sequence change creates a premature translational stop signal (p.Val495*) in the CERKL gene. It is expected to result in an absent or disrupted protein product. Loss-of-function variants in CERKL are known to be pathogenic (PMID: 14681825, 23591405, 24043777). This variant is present in population databases (no rsID available, gnomAD 0.02%). This premature translational stop signal has been observed in individual(s) with retinitis pigmentosa (PMID: 23661369, 25356976). This variant is also known as c.1404delA. ClinVar contains an entry for this variant (Variation ID: 866631). For these reasons, this variant has been classified as Pathogenic.

Blueprint Genetics
Classification: Pathogenic for CERKL-related disorders. Last evaluated: 2022-08-25. Review status: criteria provided, single submitter. Criteria: ACMG Guidelines, 2015. Collection method: clinical testing. Allele origin: germline. Affected: yes. Observed: 4 variant alleles.

Institute of Human Genetics, Univ. Regensburg, Univ. Regensburg
Classification: Pathogenic for Retinal dystrophy. Last evaluated: 2018-01-01. Review status: criteria provided, single submitter. Criteria: ACMG Guidelines, 2015. Collection method: clinical testing. Allele origin: germline. Affected: yes.

Juno Genomics, Hangzhou Juno Genomics, Inc
Classification: Pathogenic for Retinitis pigmentosa 26. Review status: criteria provided, single submitter. Criteria: ACMG Guidelines, 2015. Collection method: clinical testing. Allele origin: germline.
Comment: Absent from controls (or at extremely low frequency if recessive) in Genome Aggregation Database.;Null variant in a gene where loss of function (LOF) is a known mechanism of disease.;For recessive disorders, detected in trans with a pathogenic variant.;Patient's phenotype or family history is highly specific for a disease with a single genetic etiology.

Literature cited by the submitters: PubMed 23661369 (cited by 3 submitters); PubMed 14681825 (cited by Labcorp Genetics (formerly Invitae), Labcorp); PubMed 23591405 (cited by Labcorp Genetics (formerly Invitae), Labcorp); PubMed 24043777 (cited by Labcorp Genetics (formerly Invitae), Labcorp); PubMed 25356976 (cited by Labcorp Genetics (formerly Invitae), Labcorp and Institute of Human Genetics, Univ. Regensburg, Univ. Regensburg); PubMed 31964843 (cited by Institute of Human Genetics, Univ. Regensburg, Univ. Regensburg); PubMed 31980526 (cited by Institute of Human Genetics, Univ. Regensburg, Univ. Regensburg); PubMed 33090715 (cited by Institute of Human Genetics, Univ. Regensburg, Univ. Regensburg).